The following is an entry in ClinVar:

NM_001145809.2(MYH14):c.238_243del (p.Val80_Glu81del)

Gene: MYH14 (myosin heavy chain 14; plus strand). Cytogenetic location: 19q13.33.
Variant type: Deletion.
Coding change: c.238_243del on transcript NM_001145809.2 (MANE Select); coding-DNA positions 238 to 243, 6 bases deleted (GTGGAG; older notation c.238_243delGTGGAG).
Protein change: p.Val80_Glu81del.
Molecular consequence: inframe deletion.
Genome position (GRCh38, 1-based): chr19:50,210,603-50,210,608, GTGGAG deleted; deleting any 6 consecutive bases within chr19:50,210,599-50,210,608 gives the same sequence; the c. name uses the placement nearest the transcript's 3' end. VCF-style (leftmost placement, unchanged base first): chr19-50210598-CGGAGGT-C. GRCh37 (hg19) VCF-style: chr19-50713855-CGGAGGT-C.
Other names: c.238_243del, p.Val80_Glu81del (NM_001077186.2, NM_024729.4).
Identifiers: ClinVar variation 2726333 (VCV002726333.3), dbSNP rs2514276682, ClinGen allele CA2697556652.
Genomic context (GRCh38, chr19:50,210,598, plus strand): 5'-TGCCTTCGGAGCTTCACGGGTTCGAGGCGGCGGCGCTGCGGGACGAAGGCGAGGAGGAGG[CGGAGGT>C]GGAGCTGGCGGAGAGCGGGAGGCGGCTGCGACTGCCGCGGGACCAGATCCAGCGCATGAA-3'

ClinVar aggregate classification (germline): Uncertain significance (1 of 4 stars; one submission).

Submission:

Labcorp Genetics (formerly Invitae), Labcorp
Classification: Uncertain significance. Last evaluated: 2023-07-23. Review status: criteria provided, single submitter. Criteria: Invitae Variant Classification Sherloc (09022015). Collection method: clinical testing. Allele origin: germline.
Comment: This variant, c.238_243del, results in the deletion of 2 amino acid(s) of the MYH14 protein (p.Val80_Glu81del), but otherwise preserves the integrity of the reading frame. This variant is not present in population databases (gnomAD no frequency). This variant has not been reported in the literature in individuals affected with MYH14-related conditions. Experimental studies and prediction algorithms are not available or were not evaluated, and the functional significance of this variant is currently unknown. In summary, the available evidence is currently insufficient to determine the role of this variant in disease. Therefore, it has been classified as a Variant of Uncertain Significance.